The following is an entry in ClinVar:

ClinVar aggregate classification (germline): Uncertain significance. Review status: criteria provided, multiple submitters, no conflicts (2 of 4 stars). 2 submissions from 2 submitters: Uncertain significance (2). Last evaluated 2024-04-03.

Conditions:
Joubert syndrome. Also called: Familial aplasia of the vermis; CEREBELLOPARENCHYMAL DISORDER IV; JOUBERT-BOLTSHAUSER SYNDROME. Identifiers: Orphanet 475, MedGen C5979921, MONDO:0018772.
Joubert syndrome 3 (JBTS3). Also called: AHI1-related Ciliopathy. Identifiers: Orphanet 220493, MedGen C1837713, MONDO:0012078, OMIM 608629.

Allele frequency attached by ClinVar (database versions not stated): gnomAD 0.00001; TOPMed 0.00001.
gnomAD v4.1: 8 of 1,611,646 alleles (0.0005%); highest among the groups gnomAD compares: Admixed American, 0.0033%; no homozygotes.

Submissions (2):

Fulgent Genetics
Classification: Uncertain significance for Joubert syndrome 3. Last evaluated: 2024-04-03. Review status: criteria provided, single submitter. Criteria: ACMG Guidelines, 2015. Collection method: clinical testing. Allele origin: germline.

Labcorp Genetics (formerly Invitae), Labcorp
Classification: Uncertain significance for Joubert syndrome. Last evaluated: 2022-08-09. Review status: criteria provided, single submitter. Criteria: Invitae Variant Classification Sherloc (09022015). Collection method: clinical testing. Allele origin: germline.
Comment: This sequence change replaces glycine, which is neutral and non-polar, with valine, which is neutral and non-polar, at codon 1099 of the AHI1 protein (p.Gly1099Val). This variant is present in population databases (no rsID available, gnomAD 0.003%). This variant has not been reported in the literature in individuals affected with AHI1-related conditions. ClinVar contains an entry for this variant (Variation ID: 1042517). Advanced modeling of protein sequence and biophysical properties (such as structural, functional, and spatial information, amino acid conservation, physicochemical variation, residue mobility, and thermodynamic stability) performed at Invitae indicates that this missense variant is expected to disrupt AHI1 protein function. In summary, the available evidence is currently insufficient to determine the role of this variant in disease. Therefore, it has been classified as a Variant of Uncertain Significance.

NM_001134831.2(AHI1):c.3296G>T (p.Gly1099Val)

Gene: AHI1 (Abelson helper integration site 1; minus strand). Cytogenetic location: 6q23.3.
Variant type: single nucleotide variant.
Coding change: c.3296G>T on transcript NM_001134831.2 (MANE Select); coding-DNA position 3296, G replaced by T.
Protein change: p.Gly1099Val; replaces glycine 1099 with valine.
Molecular consequence: missense variant.
Genome position (GRCh38, 1-based): chr6:135,323,194, C>A on the plus strand (G>T on the coding strand, the complement: AHI1 is on the minus strand). VCF-style: chr6-135323194-C-A. GRCh37 (hg19) VCF-style: chr6-135644332-C-A.
Other names: c.3296G>T, p.Gly1099Val (NM_001134830.2, NM_001350503.2, NM_001350504.2 and 1 more transcripts); c.3296G>T (NM_017651.4); short protein forms G1099V.
Identifiers: ClinVar variation 1042517 (VCV001042517.7), dbSNP rs1207608724, ClinGen allele CA365845485.